The following is an entry in ClinVar:

NM_000080.4(CHRNE):c.1262G>A (p.Arg421His)

Gene: CHRNE (cholinergic receptor nicotinic epsilon subunit; minus strand). Cytogenetic location: 17p13.2.
Variant type: single nucleotide variant.
Coding change: c.1262G>A on transcript NM_000080.4 (MANE Select); coding-DNA position 1262, G replaced by A.
Protein change: p.Arg421His; replaces arginine 421 with histidine.
Molecular consequence: missense variant.
Genome position (GRCh38, 1-based): chr17:4,899,065, C>T on the plus strand (G>A on the coding strand, the complement: CHRNE is on the minus strand). VCF-style: chr17-4899065-C-T. GRCh37 (hg19) VCF-style: chr17-4802360-C-T.
Other names: short protein forms R421H.
Identifiers: ClinVar variation 967785 (VCV000967785.8), dbSNP rs144952259, ClinGen allele CA8313915.

ClinVar aggregate classification (germline): Uncertain significance. Review status: criteria provided, multiple submitters, no conflicts (2 of 4 stars). 3 submissions from 3 submitters: Uncertain significance (2). 1 of the submissions does not count toward it. Last evaluated 2026-02-01.

Conditions:
Inborn genetic diseases. Identifiers: MedGen C0950123, MeSH D030342.
Congenital myasthenic syndrome (CMS). Also called: Congenital Myasthenic Syndromes. Identifiers: Orphanet 590, MedGen C0751882, MeSH D020294, MONDO:0018940.
Congenital myasthenic syndrome 4A. Also called: Myasthenic syndrome, congenital, 4a, slow-channel; MYASTHENIC SYNDROME, CONGENITAL, 4A, SLOW-CHANNEL, AUTOSOMAL RECESSIVE; CONGENITAL MYASTHENIC SYNDROME TYPE Ia1. Identifiers: Orphanet 590, MedGen C4225413, MONDO:0011600, OMIM 605809.

Allele frequency attached by ClinVar (database versions not stated): gnomAD exomes 0.00004; TOPMed 0.00004; ExAC 0.00005; gnomAD 0.00006; ESP Exome Variant Server 0.00008.
gnomAD v4.1: 70 of 1,611,656 alleles (0.0043%); highest among the groups gnomAD compares: Non-Finnish European, 0.0033%; no homozygotes.

Submissions (3):

Labcorp Genetics (formerly Invitae), Labcorp
Classification: Uncertain significance for Congenital myasthenic syndrome 4A. Last evaluated: 2026-02-01. Review status: criteria provided, single submitter. Criteria: Invitae Variant Classification Sherloc (09022015). Collection method: clinical testing. Allele origin: germline.
Comment: This sequence change replaces arginine, which is basic and polar, with histidine, which is basic and polar, at codon 421 of the CHRNE protein (p.Arg421His). This variant is present in population databases (rs144952259, gnomAD 0.06%). This variant has not been reported in the literature in individuals affected with CHRNE-related conditions. ClinVar contains an entry for this variant (Variation ID: 967785). Invitae Evidence Modeling of protein sequence and biophysical properties (such as structural, functional, and spatial information, amino acid conservation, physicochemical variation, residue mobility, and thermodynamic stability) indicates that this missense variant is not expected to disrupt CHRNE protein function with a negative predictive value of 80%. In summary, the available evidence is currently insufficient to determine the role of this variant in disease. Therefore, it has been classified as a Variant of Uncertain Significance.

Ambry Genetics
Classification: Uncertain significance for Inborn genetic diseases. Last evaluated: 2024-08-12. Review status: criteria provided, single submitter. Criteria: Ambry Variant Classification Scheme 2023. Collection method: clinical testing. Allele origin: germline.

Natera, Inc.
Classification: Uncertain significance for Congenital myasthenic syndrome. Last evaluated: 2020-02-13. Review status: no assertion criteria provided. Collection method: clinical testing. Allele origin: germline. Not counted in ClinVar's aggregate classification.